The following is an entry in ClinVar:

ClinVar aggregate classification (germline): Pathogenic/Likely pathogenic. Review status: criteria provided, multiple submitters, no conflicts (2 of 4 stars). 53 submissions from 49 submitters: Pathogenic (39); Likely pathogenic (4). 10 of the submissions do not count toward it. Last evaluated 2026-08-04.

Conditions:
Fetal akinesia deformation sequence 2. Identifiers: MedGen C4760576, MONDO:0100102, OMIM 618388.
Fetal anomalies with a likely genetic cause.
Congenital myasthenic syndrome 11. Also called: Myasthenic syndrome, congenital, 11, associated with acetylcholine receptor deficiency; MYASTHENIC SYNDROME, CONGENITAL, Ie. Identifiers: Orphanet 590, MedGen C4225367, MONDO:0014588, OMIM 616326.
RAPSN-related disorder. Also called: RAPSN-related condition; RAPSN-related disorders. Identifiers: MedGen CN239397.
Fetal akinesia deformation sequence 1 (FADS1). Also called: Fetal akinesia sequence; Pena-Shokeir syndrome type I. Identifiers: Orphanet 994, MedGen C1276035, MONDO:0100101, OMIM 208150, HP:0001989.
Inborn genetic diseases. Identifiers: MedGen C0950123, MeSH D030342.
Congenital myasthenic syndrome (CMS). Also called: Congenital Myasthenic Syndromes. Identifiers: Orphanet 590, MedGen C0751882, MeSH D020294, MONDO:0018940.
Congenital myasthenic syndrome 4C (CMS4C). Also called: Myasthenic syndrome, congenital, associated with acetylcholine receptor deficiency. Identifiers: Orphanet 590, MedGen C1837091, MONDO:0012157, OMIM 608931.
Myopathy. Identifiers: MedGen C0026848, MeSH D009135, MONDO:0005336, HP:0003198.

Allele frequency attached by ClinVar (database versions not stated): 1000 Genomes Project 0.00120; 1000 Genomes Project 30x 0.00141; gnomAD exomes 0.00156 and 0.00209; gnomAD 0.00149 and 0.00147; TOPMed 0.00160; ExAC 0.00159.

Submissions 1 to 12 of 53:

PreventionGenetics, part of Exact Sciences
Classification: Pathogenic for RAPSN-related condition. Last evaluated: 2026-08-04. Review status: criteria provided, single submitter. Criteria: ACMG Guidelines, 2015. Collection method: clinical testing. Allele origin: germline.
Comment: The RAPSN c.264C>A variant is predicted to result in the amino acid substitution p.Asn88Lys. This variant has been reported, in the compound heterozygous or homozygous state, as a recurrent RAPSN variant in many individuals with autosomal recessive congenital myasthenic syndrome (Ohno et al. 2002. PubMed ID: 11791205; Ohno et al. 2004. PubMed ID: 14729848; Brugnoni et al. 2010. PubMed ID: 20157724; Laquérriere et al. 2014. PubMed ID: 24319099; Natera-de Benito et al. 2017. PubMed ID: 29054425; McMacken et al. 2018. PubMed ID: 29189923). Functional studies suggest that the p.Asn88Lys variant results in reduced stability of the AChR clusters (Cossins et al. 2006. PubMed ID: 16945936). This variant is reported in 0.26% of alleles in individuals of European (Non-Finnish) descent in gnomAD. This variant is interpreted as pathogenic.

Genetics Laboratory, Great Ormond Street Hospital NHS Foundation Trust, North Thames Genomic Laboratory Hub
Classification: Pathogenic for Fetal anomalies with a likely genetic cause. Last evaluated: 2026-07-31. Review status: criteria provided, single submitter. Criteria: ACGS Best Practice Guidelines for Variant Classification in Rare Disease 2024 v1.2. Collection method: clinical testing. Allele origin: germline. Affected: yes.
Comment: BP4_supporting, PS1_supporting, PS3_moderate, PP1_moderate

Mendelics
Classification: Pathogenic for Congenital myasthenic syndrome 11. Last evaluated: 2026-03-05. Review status: criteria provided, single submitter. Criteria: ACMG Guidelines, 2015. Collection method: clinical testing. Allele origin: unknown.
Comment: Likely pathogenic/Pathogenic according to ACMG criteria.

CeGaT Center for Human Genetics Tuebingen
Classification: Pathogenic. Last evaluated: 2026-02-01. Review status: criteria provided, single submitter. Criteria: CeGaT Center For Human Genetics Tuebingen Variant Classification Criteria Version 2. Collection method: clinical testing. Allele origin: germline. Affected: yes. Observed: 9 variant alleles.
Comment: RAPSN: PM3:Very Strong, PM2:Supporting, PP1, PS3:Supporting

Labcorp Genetics (formerly Invitae), Labcorp
Classification: Pathogenic for Congenital myasthenic syndrome 11; Fetal akinesia deformation sequence 1. Last evaluated: 2026-01-28. Review status: criteria provided, single submitter. Criteria: Invitae Variant Classification Sherloc (09022015). Collection method: clinical testing. Allele origin: germline.
Comment: This sequence change replaces asparagine, which is neutral and polar, with lysine, which is basic and polar, at codon 88 of the RAPSN protein (p.Asn88Lys). This variant is present in population databases (rs104894299, gnomAD 0.3%), and has an allele count higher than expected for a pathogenic variant. This missense change has been observed in individual(s) with congenital myasthenic syndrome (PMID: 12796535, 14504330, 16945936). In at least one individual the data is consistent with being in trans (on the opposite chromosome) from a pathogenic variant. It is commonly reported in individuals of European ancestry (PMID: 12796535, 14504330, 16945936). ClinVar contains an entry for this variant (Variation ID: 8046). Invitae Evidence Modeling of protein sequence and biophysical properties (such as structural, functional, and spatial information, amino acid conservation, physicochemical variation, residue mobility, and thermodynamic stability) has been performed for this missense variant. However, the output from this modeling did not meet the statistical confidence thresholds required to predict the impact of this variant on RAPSN protein function. Experimental studies have shown that this missense change affects RAPSN function (PMID: 16945936). For these reasons, this variant has been classified as Pathogenic.

Dasa
Classification: Pathogenic. Last evaluated: 2025-12-18. Review status: criteria provided, single submitter. Criteria: DASA Assertion Criteria. Collection method: clinical testing. Allele origin: germline.
Comment: NM_005055.5(RAPSN):c.264C>A (p.Asn88Lys) is a missense variant that results in the substitution of asparagine with lysine. Functional evidence supports a deleterious effect on the gene or gene product (PMID: 27397848; PMID: 14504330; PMID: 12807980; PMID: 15252722; PMID: 31549961). This variant has been recurrently observed in individuals with related phenotype (PMID: 27397848; PMID: 14504330; PMID: 12807980; PMID: 15252722; PMID: 31549961). Segregation evidence has been reported in affected families. The variant is present at low frequency in population datasets. Based on the available data, this variant is classified as pathogenic.

3billion
Classification: Pathogenic for Congenital myasthenic syndrome 11. Last evaluated: 2025-12-03. Review status: criteria provided, single submitter. Criteria: ACMG Guidelines, 2015. Collection method: clinical testing. Allele origin: germline. Affected: yes.
Comment: The variant is observed at an extremely low frequency in the gnomAD v4.1.0 dataset (total allele frequency: 0.203%). Predicted Consequence/Location: Missense variant In silico tool predictions suggest damaging effect of the variant on gene or gene product [3Cnet: 0.97 (> 0.75, sensitivity 0.96 and precision 0.92)]. The same nucleotide change resulting in the same amino acid change has been previously reported as pathogenic/likely pathogenic with strong evidence (ClinVar ID: VCV000008046 /PMID: 11791205 /3billion dataset). The variant has been reported to be in trans with a pathogenic variant as either compound heterozygous or homozygous in at least 2 similarly affected unrelated individuals (PMID: 12796535). Therefore, this variant is classified as Pathogenic according to the recommendation of ACMG/AMP guideline.

Natera, Inc.
Classification: Pathogenic for Congenital myasthenic syndrome. Last evaluated: 2025-11-03. Review status: criteria provided, single submitter. Criteria: Natera Variant Classification Schema (03/2026). Collection method: clinical testing. Allele origin: germline.
Comment: The c.264C>A variant in RAPSN is a missense variant predicted to cause substitution of asparagine to lysine at amino acid 88. This variant has been observed in one or more individuals affected with the associated recessive disease, as either homozygous or compound heterozygous with a second variant (PMID: 12929188). Computational prediction algorithms indicate this variant is likely to affect gene or protein function. Given the available evidence, this variant is classified as Pathogenic.

Variantyx, Inc.
Classification: Pathogenic for Congenital myasthenic syndrome 11. Last evaluated: 2025-10-20. Review status: criteria provided, single submitter. Criteria: Variantyx Assertion Criteria 2022. Collection method: clinical testing. Allele origin: germline. Inheritance: Autosomal recessive inheritance. Affected: yes.
Comment: This is a nonsynonymous variant in the RAPSN gene (OMIM: 601592). Pathogenic variants in this gene have been associated with autosomal recessive congenital myasthenic syndrome 11 associated with acetylcholine receptor deficiency. Computational algorithms produce conflicting evidence regarding the predicted functional impact of this variant (REVEL score: 0.372) but functional studies have shown that this variant alters RAPSN protein function (PMID: 16945936, 11791205) (PS3). This variant has a 0.2459% maximum allele frequency in non-founder control populations. Based on the current evidence, this variant is classified as pathogenic for autosomal recessive congenital myasthenic syndrome 11 associated with acetylcholine receptor deficiency.

Revvity Omics, Revvity
Classification: Pathogenic. Last evaluated: 2025-03-11. Review status: criteria provided, single submitter. Criteria: ACMG Guidelines, 2015. Collection method: clinical testing. Allele origin: germline.

Department of Genetics, Rouen University Hospital, Normandy Center for Genomic and Personalized Medicine
Classification: Pathogenic for Congenital myasthenic syndrome 11. Last evaluated: 2025-01-22. Review status: criteria provided, single submitter. Criteria: ACMG Guidelines, 2015. Collection method: clinical testing. Allele origin: paternal. Affected: yes.

Blueprint Genetics
Classification: Pathogenic for RAPSN-related disorders. Last evaluated: 2024-11-26. Review status: criteria provided, single submitter. Criteria: ACMG Guidelines, 2015. Collection method: clinical testing. Allele origin: germline. Affected: yes. Observed: 5 variant alleles.

NM_005055.5(RAPSN):c.264C>A (p.Asn88Lys)

Gene: RAPSN (receptor associated protein of the synapse; minus strand). Cytogenetic location: 11p11.2.
Variant type: single nucleotide variant.
Coding change: c.264C>A on transcript NM_005055.5 (MANE Select); coding-DNA position 264, C replaced by A.
Protein change: p.Asn88Lys; replaces asparagine 88 with lysine.
Molecular consequence: missense variant.
Genome position (GRCh38, 1-based): chr11:47,448,079, G>T on the plus strand (C>A on the coding strand, the complement: RAPSN is on the minus strand). VCF-style: chr11-47448079-G-T. GRCh37 (hg19) VCF-style: chr11-47469631-G-T.
Other names: p.N88K; c.264C>A, p.Asn88Lys (NM_032645.5); short protein forms N88K.
Identifiers: ClinVar variation 8046 (VCV000008046.111), dbSNP rs104894299, ClinGen allele CA199511.
Genomic context (GRCh38, chr11:47,448,079, plus strand): 5'-GGTCTTGCAGTAGGAGATGGTCTTGTGAAACTCGCACAGCTTCTCGTTGCTGCGTGCCAG[G>T]TTCAGGTAGCTCTCCAGGAGGAAGTCGGCATCCTCCAGCTCCCGGGCCGTGTCGATCTGG-3'
Protein context (NP_005046.2, residues 78-98): DADFLLESYL[Asn88Lys]LARSNEKLCE